The following is an entry in ClinVar:

NM_182760.4(SUMF1):c.878A>G (p.Asn293Ser)

Gene: SUMF1 (sulfatase modifying factor 1; minus strand). Cytogenetic location: 3p26.1.
Variant type: single nucleotide variant.
Coding change: c.878A>G on transcript NM_182760.4 (MANE Select); coding-DNA position 878, A replaced by G.
Protein change: p.Asn293Ser; replaces asparagine 293 with serine.
Molecular consequence: missense variant.
Genome position (GRCh38, 1-based): chr3:4,410,941, T>C on the plus strand (A>G on the coding strand, the complement: SUMF1 is on the minus strand). VCF-style: chr3-4410941-T-C. GRCh37 (hg19) VCF-style: chr3-4452625-T-C.
Other names: c.803A>G, p.Asn268Ser (NM_001164674.2); c.878A>G, p.Asn293Ser (NM_001164675.2); short protein forms N293S, N268S.
Identifiers: ClinVar variation 2794939 (VCV002794939.3), dbSNP rs2469826083, ClinGen allele CA351631424.

ClinVar aggregate classification (germline): Uncertain significance (1 of 4 stars; one submission).

Conditions:
Multiple sulfatase deficiency (MSD). Also called: Mucosulfatidosis; Multiple Sulfatase Deficiency Disease; Sulfatidosis, Juvenile, Austin Type. Identifiers: Orphanet 585, MedGen C0268263, MONDO:0010088, OMIM 272200.

Allele frequency attached by ClinVar (database versions not stated): gnomAD exomes below 0.00001.
gnomAD v4.1: 2 of 1,614,120 alleles (0.00012%); highest among the groups gnomAD compares: Non-Finnish European, 0.00017%; no homozygotes.

Submission:

Labcorp Genetics (formerly Invitae), Labcorp
Classification: Uncertain significance for Multiple sulfatase deficiency. Last evaluated: 2024-10-17. Review status: criteria provided, single submitter. Criteria: Invitae Variant Classification Sherloc (09022015). Collection method: clinical testing. Allele origin: germline.
Comment: This sequence change replaces asparagine, which is neutral and polar, with serine, which is neutral and polar, at codon 293 of the SUMF1 protein (p.Asn293Ser). This variant is not present in population databases (gnomAD no frequency). This variant has not been reported in the literature in individuals affected with SUMF1-related conditions. Invitae Evidence Modeling of protein sequence and biophysical properties (such as structural, functional, and spatial information, amino acid conservation, physicochemical variation, residue mobility, and thermodynamic stability) indicates that this missense variant is expected to disrupt SUMF1 protein function with a positive predictive value of 95%. In summary, the available evidence is currently insufficient to determine the role of this variant in disease. Therefore, it has been classified as a Variant of Uncertain Significance.